The following is an entry in ClinVar:

ClinVar aggregate classification (germline): Uncertain significance. Review status: criteria provided, multiple submitters, no conflicts (2 of 4 stars). 3 submissions from 3 submitters: Uncertain significance (2). 1 of the submissions does not count toward it. Last evaluated 2024-01-29.

Conditions:
PRPH2-related disorder. Also called: PRPH2-related condition; PRPH2-related disorders. Identifiers: MedGen CN239395.

Allele frequency attached by ClinVar (database versions not stated): gnomAD exomes 0.00001 and 0.00003; ExAC 0.00003; gnomAD 0.00006; TOPMed 0.00008.
gnomAD v4.1: 26 of 1,613,756 alleles (0.0016%); highest among the groups gnomAD compares: Admixed American, 0.0067%; no homozygotes.

Submissions (3):

Labcorp Genetics (formerly Invitae), Labcorp
Classification: Uncertain significance for PRPH2-related disorder. Last evaluated: 2024-01-29. Review status: criteria provided, single submitter. Criteria: Invitae Variant Classification Sherloc (09022015). Collection method: clinical testing. Allele origin: germline.
Comment: This sequence change replaces leucine, which is neutral and non-polar, with glutamine, which is neutral and polar, at codon 308 of the PRPH2 protein (p.Leu308Gln). This variant is present in population databases (rs762660751, gnomAD 0.006%). This missense change has been observed in individuals with clinical features of autosomal dominant PRPH2-related conditions (PMID: 32717343, 34411390; Invitae). ClinVar contains an entry for this variant (Variation ID: 1175278). Advanced modeling of protein sequence and biophysical properties (such as structural, functional, and spatial information, amino acid conservation, physicochemical variation, residue mobility, and thermodynamic stability) has been performed at Invitae for this missense variant, however the output from this modeling did not meet the statistical confidence thresholds required to predict the impact of this variant on PRPH2 protein function. In summary, the available evidence is currently insufficient to determine the role of this variant in disease. Therefore, it has been classified as a Variant of Uncertain Significance.

Blueprint Genetics
Classification: Uncertain significance. Last evaluated: 2020-02-24. Review status: criteria provided, single submitter. Criteria: ACMG Guidelines, 2015. Collection method: clinical testing. Allele origin: germline.

Leiden Open Variation Database
Classification: Likely pathogenic. Last evaluated: 2021-04-06. Review status: no assertion criteria provided. Collection method: curation. Allele origin: germline. Affected: yes. Not counted in ClinVar's aggregate classification.
Comment: Curator: Global Variome, with Curator vacancy. Submitter to LOVD: Manon Peeters.

Literature cited by the submitters: PubMed 32717343 (cited by Labcorp Genetics (formerly Invitae), Labcorp and Leiden Open Variation Database); PubMed 34411390 (cited by Labcorp Genetics (formerly Invitae), Labcorp).

NM_000322.5(PRPH2):c.923T>A (p.Leu308Gln)

Gene: PRPH2 (peripherin 2; minus strand). Cytogenetic location: 6p21.1.
Variant type: single nucleotide variant.
Coding change: c.923T>A on transcript NM_000322.5 (MANE Select); coding-DNA position 923, T replaced by A.
Protein change: p.Leu308Gln; replaces leucine 308 with glutamine.
Molecular consequence: missense variant.
Genome position (GRCh38, 1-based): chr6:42,698,413, A>T on the plus strand (T>A on the coding strand, the complement: PRPH2 is on the minus strand). VCF-style: chr6-42698413-A-T. GRCh37 (hg19) VCF-style: chr6-42666151-A-T.
Other names: short protein forms L308Q.
Identifiers: ClinVar variation 1175278 (VCV001175278.8), dbSNP rs762660751, ClinGen allele CA3808483.
Genomic context (GRCh38, chr6:42,698,413, plus strand): 5'-TTGCCCAGCTTCTTCACACTCTCCAGAAAGGCCTTCCAGGTCTCCGGCACGCTCCTCTCC[A>T]GCAGCCAGCCCTGGCTCTCGCTCTCAGATTCCTCGGGGTTGGACACACCATCCAGCGACG-3'
Protein context (NP_000313.2, residues 298-318): ESESESQGWL[Leu308Gln]ERSVPETWKA